The following is an entry in ClinVar:

NM_002497.4(NEK2):c.80G>A (p.Arg27Lys)

Genes: NEK2 (NIMA related kinase 2; minus strand), LOC129932452 (ATAC-STARR-seq lymphoblastoid active region 2489; plus strand). Cytogenetic location: 1q32.3.
Variant type: single nucleotide variant.
Coding change: c.80G>A on transcript NM_002497.4 (MANE Select); coding-DNA position 80, G replaced by A.
Protein change: p.Arg27Lys; replaces arginine 27 with lysine.
Molecular consequence: missense variant.
Genome position (GRCh38, 1-based): chr1:211,675,400, C>T on the plus strand (G>A on the coding strand, the complement: NEK2 is on the minus strand). VCF-style: chr1-211675400-C-T. GRCh37 (hg19) VCF-style: chr1-211848742-C-T.
Other names: c.80G>A (NM_002497.3); c.80G>A, p.Arg27Lys (NM_001204182.2, NM_001204183.2); short protein forms R27K.
Identifiers: ClinVar variation 1412954 (VCV001412954.9), dbSNP rs766070250, ClinGen allele CA1381770.

ClinVar aggregate classification (germline): Uncertain significance. Review status: criteria provided, multiple submitters, no conflicts (2 of 4 stars). 2 submissions from 2 submitters: Uncertain significance (2). Last evaluated 2025-09-05.

Allele frequency attached by ClinVar (database versions not stated): ExAC 0.00001; gnomAD exomes 0.00001; TOPMed 0.00002; gnomAD 0.00003.

Submissions (2):

Ambry Genetics
Classification: Uncertain significance. Last evaluated: 2025-09-05. Review status: criteria provided, single submitter. Criteria: Ambry Variant Classification Scheme 2023. Collection method: clinical testing. Allele origin: germline.

Labcorp Genetics (formerly Invitae), Labcorp
Classification: Uncertain significance. Last evaluated: 2025-05-27. Review status: criteria provided, single submitter. Criteria: Invitae Variant Classification Sherloc (09022015). Collection method: clinical testing. Allele origin: germline.
Comment: This sequence change replaces arginine, which is basic and polar, with lysine, which is basic and polar, at codon 27 of the NEK2 protein (p.Arg27Lys). This variant is present in population databases (rs766070250, gnomAD 0.002%). This variant has not been reported in the literature in individuals affected with NEK2-related conditions. ClinVar contains an entry for this variant (Variation ID: 1412954). An algorithm developed to predict the effect of missense changes on protein structure and function (PolyPhen-2) suggests that this variant is likely to be disruptive. In summary, the available evidence is currently insufficient to determine the role of this variant in disease. Therefore, it has been classified as a Variant of Uncertain Significance.